The following is an entry in ClinVar:

NM_001042492.3(NF1):c.7616-9T>C

Gene: NF1 (neurofibromin 1; plus strand). Cytogenetic location: 17q11.2.
Variant type: single nucleotide variant.
Coding change: c.7616-9T>C on transcript NM_001042492.3 (MANE Select); 9 bases into the intron before coding-DNA position 7616, T replaced by C.
Molecular consequence: intron variant.
Genome position (GRCh38, 1-based): chr17:31,356,451, T>C. VCF-style: chr17-31356451-T-C. GRCh37 (hg19) VCF-style: chr17-29683469-T-C.
Other names: c.7553-9T>C (NM_000267.4).
Identifiers: ClinVar variation 515754 (VCV000515754.8), dbSNP rs1555536631, ClinGen allele CA658798790.

ClinVar aggregate classification (germline): Likely benign. Review status: criteria provided, multiple submitters, no conflicts (2 of 4 stars). 3 submissions from 3 submitters: Likely benign (3). Last evaluated 2024-02-29.

Conditions:
Neurofibromatosis, type 1 (NF1). Also called: NEUROFIBROMATOSIS, TYPE I, SOMATIC; Peripheral type neurofibromatosis; Neurofibromatosis, type I; VON RECKLINGHAUSEN DISEASE. Identifiers: Orphanet 636, MedGen C0027831, MONDO:0018975, OMIM 162200. Disease mechanism: loss of function.

Allele frequency attached by ClinVar (database versions not stated): gnomAD exomes below 0.00001.
gnomAD v4.1: 1 of 1,613,032 alleles (0.000062%); highest among the groups gnomAD compares: East Asian, 0.0022%; no homozygotes.

Submissions (3):

Labcorp Genetics (formerly Invitae), Labcorp
Classification: Likely benign for Neurofibromatosis, type 1. Last evaluated: 2024-02-29. Review status: criteria provided, single submitter. Criteria: Invitae Variant Classification Sherloc (09022015). Collection method: clinical testing. Allele origin: germline.

Genome-Nilou Lab
Classification: Likely benign for Neurofibromatosis, type 1. Last evaluated: 2022-03-15. Review status: criteria provided, single submitter. Criteria: ACMG Guidelines, 2015. Collection method: clinical testing. Allele origin: germline. Affected: no.

GeneDx
Classification: Likely benign. Last evaluated: 2018-02-21. Review status: criteria provided, single submitter. Criteria: GeneDx Variant Classification (06012015). Collection method: clinical testing. Allele origin: germline. Affected: yes.
Comment: This variant is considered likely benign or benign based on one or more of the following criteria: it is a conservative change, it occurs at a poorly conserved position in the protein, it is predicted to be benign by multiple in silico algorithms, and/or has population frequency not consistent with disease.